The following is an entry in ClinVar:

NM_000059.4(BRCA2):c.6674C>A (p.Thr2225Lys)

Gene: BRCA2 (BRCA2 DNA repair associated; plus strand). Cytogenetic location: 13q13.1.
Variant type: single nucleotide variant.
Coding change: c.6674C>A on transcript NM_000059.4 (MANE Select); coding-DNA position 6674, C replaced by A.
Protein change: p.Thr2225Lys; replaces threonine 2225 with lysine.
Molecular consequence: missense variant.
Genome position (GRCh38, 1-based): chr13:32,341,029, C>A. VCF-style: chr13-32341029-C-A. GRCh37 (hg19) VCF-style: chr13-32915166-C-A.
Other names: short protein forms T2225K.
Identifiers: ClinVar variation 187053 (VCV000187053.7), dbSNP rs786203437, ClinGen allele CA024275.

ClinVar aggregate classification (germline): Conflicting classifications of pathogenicity. Review status: criteria provided, conflicting classifications (1 of 4 stars). 2 submissions from 2 submitters: Uncertain significance (1); Likely benign (1). Last evaluated 2023-03-23.

Conditions:
Hereditary cancer-predisposing syndrome. Also called: Neoplastic Syndromes, Hereditary; Tumor predisposition; Hereditary Cancer Syndrome; Hereditary neoplastic syndrome. Identifiers: Orphanet 140162, MedGen C0027672, MeSH D009386, MONDO:0015356.

Submissions (2):

University of Washington Department of Laboratory Medicine, University of Washington
Classification: Likely benign for Hereditary cancer-predisposing syndrome. Last evaluated: 2023-03-23. Review status: criteria provided, single submitter. Criteria: Dines et al. (Genet Med. 2020). Collection method: curation. Allele origin: germline.
Comment: Missense variant in a coldspot region where missense variants are very unlikely to be pathogenic (PMID:31911673).

BRCA2 exon 11 coldspot. Reclassification based on statistical prior probability.

Ambry Genetics
Classification: Uncertain significance for Hereditary cancer-predisposing syndrome. Last evaluated: 2014-10-30. Review status: criteria provided, single submitter. Criteria: Ambry Variant Classification Scheme 2023. Collection method: clinical testing. Allele origin: germline.
Comment: The p.T2225K variant (also known as c.6674C>A), located in coding exon 10 of the BRCA2 gene, results from a C to A substitution at nucleotide position 6674. The threonine at codon 2225 is replaced by lysine, an amino acid with similar properties. This variant was not reported in population-based cohorts in the following databases: Database of Single Nucleotide Polymorphisms (dbSNP), NHLBI Exome Sequencing Project (ESP) and 1000 Genomes Project. To date, this alteration has been detected with an allele frequency of approximately 0.002% (greater than 64,000 alleles tested) in our clinical cohort. This amino acid position is well conserved in available vertebrate species. In addition, the in silico prediction for this alteration is inconclusive. Since supporting evidence is limited at this time, the clinical significance of p.T2225K remains unclear.